The following is an entry in ClinVar:

NM_000245.4(MET):c.3239T>C (p.Phe1080Ser)

Gene: MET (MET proto-oncogene, receptor tyrosine kinase; plus strand). Cytogenetic location: 7q31.2.
Variant type: single nucleotide variant.
Coding change: c.3239T>C on transcript NM_000245.4 (MANE Select); coding-DNA position 3239, T replaced by C.
Protein change: p.Phe1080Ser; replaces phenylalanine 1080 with serine.
Molecular consequence: missense variant.
Genome position (GRCh38, 1-based): chr7:116,775,091, T>C. VCF-style: chr7-116775091-T-C. GRCh37 (hg19) VCF-style: chr7-116415145-T-C.
Other names: c.3293T>C, p.Phe1098Ser (NM_001127500.3); c.1949T>C, p.Phe650Ser (NM_001324402.2); c.3293T>C (NM_001127500.1); short protein forms F1080S, F1098S, F650S.
Identifiers: ClinVar variation 1044222 (VCV001044222.11), dbSNP rs1794954978, ClinGen allele CA368988779.

ClinVar aggregate classification (germline): Uncertain significance. Review status: criteria provided, multiple submitters, no conflicts (2 of 4 stars). 2 submissions from 2 submitters: Uncertain significance (2). Last evaluated 2025-03-10.

Conditions:
Renal cell carcinoma. Identifiers: Orphanet 217071, MedGen C0007134, MeSH D002292, MONDO:0005086, HP:0005584.
Hereditary cancer-predisposing syndrome. Also called: Hereditary Cancer Syndrome; Tumor predisposition; Hereditary neoplastic syndrome; Neoplastic Syndromes, Hereditary. Identifiers: Orphanet 140162, MedGen C0027672, MeSH D009386, MONDO:0015356.

Allele frequency attached by ClinVar (database versions not stated): gnomAD 0.00001.
gnomAD v4.1: 1 of 1,614,072 alleles (0.000062%); highest among the groups gnomAD compares: Non-Finnish European, 0.000085%; no homozygotes.

Submissions (2):

Ambry Genetics
Classification: Uncertain significance for Hereditary cancer-predisposing syndrome. Last evaluated: 2025-03-10. Review status: criteria provided, single submitter. Criteria: Ambry Variant Classification Scheme 2023. Collection method: clinical testing. Allele origin: germline.
Comment: The p.F1098S variant (also known as c.3293T>C), located in coding exon 14 of the MET gene, results from a T to C substitution at nucleotide position 3293. The phenylalanine at codon 1098 is replaced by serine, an amino acid with highly dissimilar properties. This amino acid position is well conserved in available vertebrate species. In addition, the in silico prediction for this alteration is inconclusive. Based on the available evidence, the clinical significance of this variant remains unclear.

Labcorp Genetics (formerly Invitae), Labcorp
Classification: Uncertain significance for Renal cell carcinoma. Last evaluated: 2024-09-30. Review status: criteria provided, single submitter. Criteria: Invitae Variant Classification Sherloc (09022015). Collection method: clinical testing. Allele origin: germline.
Comment: This sequence change replaces phenylalanine, which is neutral and non-polar, with serine, which is neutral and polar, at codon 1098 of the MET protein (p.Phe1098Ser). This variant is not present in population databases (gnomAD no frequency). This missense change has been observed in individual(s) with renal cell carcinoma (RCC) (PMID: 29978187). This variant is also known as c.3239T>C (p.Phe1080Ser). ClinVar contains an entry for this variant (Variation ID: 1044222). Invitae Evidence Modeling of protein sequence and biophysical properties (such as structural, functional, and spatial information, amino acid conservation, physicochemical variation, residue mobility, and thermodynamic stability) indicates that this missense variant is not expected to disrupt MET protein function with a negative predictive value of 80%. In summary, the available evidence is currently insufficient to determine the role of this variant in disease. Therefore, it has been classified as a Variant of Uncertain Significance.

Literature cited by the submitters: PubMed 29978187 (cited by Labcorp Genetics (formerly Invitae), Labcorp).